The following is an entry in ClinVar:

NM_000051.4(ATM):c.5216A>T (p.Asn1739Ile)

Gene: ATM (ATM serine/threonine kinase; plus strand). Cytogenetic location: 11q22.3.
Variant type: single nucleotide variant.
Coding change: c.5216A>T on transcript NM_000051.4 (MANE Select); coding-DNA position 5216, A replaced by T.
Protein change: p.Asn1739Ile; replaces asparagine 1739 with isoleucine.
Molecular consequence: missense variant.
Genome position (GRCh38, 1-based): chr11:108,301,686, A>T. VCF-style: chr11-108301686-A-T. GRCh37 (hg19) VCF-style: chr11-108172413-A-T.
Other names: c.5216A>T, p.Asn1739Ile (NM_001351834.2); short protein forms N1739I.
Identifiers: ClinVar variation 2104975 (VCV002104975.4), dbSNP rs1591708595, ClinGen allele CA382542280.
Genomic context (GRCh38, chr11:108,301,686, plus strand): 5'-GCATTTGAATTGTTTTTTTCAGTGTCAAAGTTCGATCAGCAGCTGTTACCTGTTTGAAAA[A>T]CATTTTAGCCACAAAGACTGGACATAGTTTCTGGGAGATTTATAAGATGACAACAGATCC-3'
Protein context (NP_000042.3, residues 1729-1749): VRSAAVTCLK[Asn1739Ile]ILATKTGHSF

ClinVar aggregate classification (germline): Uncertain significance (1 of 4 stars; one submission).

Conditions:
Ataxia-telangiectasia syndrome (AT). Also called: AT, COMPLEMENTATION GROUP C; Ataxia telangiectasia (A-T); LOUIS-BAR SYNDROME; Ataxia-telangiectasia, complementation group D; Ataxia-telangiectasia, complementation group E; ATAXIA-TELANGIECTASIA, COMPLEMENTATION GROUP A. Identifiers: Orphanet 100, MedGen C0004135, MONDO:0008840, OMIM 208900.

Submission:

Labcorp Genetics (formerly Invitae), Labcorp
Classification: Uncertain significance for Ataxia-telangiectasia syndrome. Last evaluated: 2022-03-10. Review status: criteria provided, single submitter. Criteria: Invitae Variant Classification Sherloc (09022015). Collection method: clinical testing. Allele origin: germline.
Comment: In summary, the available evidence is currently insufficient to determine the role of this variant in disease. Therefore, it has been classified as a Variant of Uncertain Significance. Advanced modeling of protein sequence and biophysical properties (such as structural, functional, and spatial information, amino acid conservation, physicochemical variation, residue mobility, and thermodynamic stability) performed at Invitae indicates that this missense variant is not expected to disrupt ATM protein function. This variant has not been reported in the literature in individuals affected with ATM-related conditions. This variant is not present in population databases (gnomAD no frequency). This sequence change replaces asparagine, which is neutral and polar, with isoleucine, which is neutral and non-polar, at codon 1739 of the ATM protein (p.Asn1739Ile).